The following is an entry in ClinVar:

ClinVar aggregate classification (germline): Uncertain significance (1 of 4 stars; one submission).

Allele frequency attached by ClinVar (database versions not stated): gnomAD exomes below 0.00001; ExAC 0.00001.
gnomAD v4.1: 6 of 1,611,984 alleles (0.00037%); highest among the groups gnomAD compares: East Asian, 0.0089%; no homozygotes.

Submission:

Labcorp Genetics (formerly Invitae), Labcorp
Classification: Uncertain significance. Last evaluated: 2022-08-12. Review status: criteria provided, single submitter. Criteria: Invitae Variant Classification Sherloc (09022015). Collection method: clinical testing. Allele origin: germline.
Comment: This sequence change replaces threonine, which is neutral and polar, with alanine, which is neutral and non-polar, at codon 456 of the GTPBP3 protein (p.Thr456Ala). This variant is present in population databases (rs760050560, gnomAD 0.03%). This variant has not been reported in the literature in individuals affected with GTPBP3-related conditions. Algorithms developed to predict the effect of missense changes on protein structure and function output the following: SIFT: "Tolerated"; PolyPhen-2: "Benign"; Align-GVGD: "Class C0". The alanine amino acid residue is found in multiple mammalian species, which suggests that this missense change does not adversely affect protein function. In summary, the available evidence is currently insufficient to determine the role of this variant in disease. Therefore, it has been classified as a Variant of Uncertain Significance.

NM_032620.4(GTPBP3):c.1270A>G (p.Thr424Ala)

Gene: GTPBP3 (GTP binding protein 3, mitochondrial; plus strand). Cytogenetic location: 19p13.11.
Variant type: single nucleotide variant.
Coding change: c.1270A>G on transcript NM_032620.4 (MANE Select); coding-DNA position 1270, A replaced by G.
Protein change: p.Thr424Ala; replaces threonine 424 with alanine.
Molecular consequence: missense variant.
Genome position (GRCh38, 1-based): chr19:17,341,494, A>G. VCF-style: chr19-17341494-A-G. GRCh37 (hg19) VCF-style: chr19-17452303-A-G.
Other names: c.1207A>G, p.Thr403Ala (NM_001128855.3); c.1336A>G, p.Thr446Ala (NM_001195422.1); c.1366A>G, p.Thr456Ala (NM_133644.4); short protein forms T456A, T446A, T403A, T424A.
Identifiers: ClinVar variation 2102878 (VCV002102878.1), dbSNP rs760050560, ClinGen allele CA9293698.